The following is an entry in ClinVar:

ClinVar aggregate classification (germline): Conflicting classifications of pathogenicity. Review status: criteria provided, conflicting classifications (1 of 4 stars). 3 submissions from 3 submitters: Uncertain significance (1); Likely benign (2). Last evaluated 2026-07-31.

Conditions:
TTN-related disorder. Also called: TTN-related disorders; TTN-related condition; TTN-related disease.

Allele frequency attached by ClinVar (database versions not stated): ExAC 0.00001; gnomAD exomes 0.00001.
gnomAD v4.1: 5 of 1,613,276 alleles (0.00031%); highest among the groups gnomAD compares: Admixed American, 0.005%; no homozygotes.

Submissions (3):

PreventionGenetics, part of Exact Sciences
Classification: Uncertain significance for TTN-related condition. Last evaluated: 2026-07-31. Review status: criteria provided, single submitter. Criteria: ACMG Guidelines, 2015. Collection method: clinical testing. Allele origin: germline.
Comment: The TTN c.74516G>A variant is predicted to result in the amino acid substitution p.Ser24839Asn. To our knowledge, this variant has not been reported in the literature. This variant is reported in 0.0087% of alleles in individuals of Latino descent in gnomAD. At this time, the clinical significance of this variant is uncertain due to the absence of conclusive functional and genetic evidence.

Molecular Diagnostic Laboratory for Inherited Cardiovascular Disease, Montreal Heart Institute
Classification: Likely benign. Last evaluated: 2025-04-09. Review status: criteria provided, single submitter. Criteria: ACMG Guidelines, 2015. Collection method: clinical testing. Allele origin: germline. Affected: no.

GeneDx
Classification: Likely benign. Last evaluated: 2018-04-09. Review status: criteria provided, single submitter. Criteria: GeneDx Variant Classification (06012015). Collection method: clinical testing. Allele origin: germline. Affected: yes.
Comment: This variant is considered likely benign or benign based on one or more of the following criteria: it is a conservative change, it occurs at a poorly conserved position in the protein, it is predicted to be benign by multiple in silico algorithms, and/or has population frequency not consistent with disease.

NM_001267550.2(TTN):c.74516G>A (p.Ser24839Asn)

Genes: TTN (titin; minus strand), TTN-AS1 (TTN antisense RNA 1; plus strand). Cytogenetic location: 2q31.2.
Variant type: single nucleotide variant.
Coding change: c.74516G>A on transcript NM_001267550.2 (MANE Select); coding-DNA position 74516, G replaced by A.
Protein change: p.Ser24839Asn; replaces serine 24839 with asparagine.
Molecular consequence: missense variant.
Genome position (GRCh38, 1-based): chr2:178,571,616, C>T on the plus strand (G>A on the coding strand, the complement: TTN is on the minus strand). VCF-style: chr2-178571616-C-T. GRCh37 (hg19) VCF-style: chr2-179436343-C-T.
Other names: c.69593G>A, p.Ser23198Asn (NM_001256850.1); c.47321G>A, p.Ser15774Asn (NM_003319.4); c.66812G>A, p.Ser22271Asn (NM_133378.4); c.47696G>A, p.Ser15899Asn (NM_133432.3); c.47897G>A, p.Ser15966Asn (NM_133437.4); short protein forms S23198N, S24839N, S15966N, S15774N, S15899N, S22271N.
Identifiers: ClinVar variation 681567 (VCV000681567.3), dbSNP rs763157776, ClinGen allele CA1990186.